The following is an entry in ClinVar:

ClinVar aggregate classification (germline): Likely pathogenic (1 of 4 stars; one submission).

Conditions:
PIK3CA related overgrowth syndrome. Also called: PIK3CA related overgrowth spectrum; PIK3CA-Related Segmental Overgrowth. Identifiers: Orphanet 530313, MedGen C4728213, MONDO:1040002.

Submission:

Clinical Genomics Laboratory, Washington University in St. Louis
Classification: Likely pathogenic for PIK3CA related overgrowth syndrome. Last evaluated: 2026-03-18. Review status: criteria provided, single submitter. Criteria: Leon-Quintero et al. (Clin Genet. 2025). Collection method: clinical testing. Allele origin: somatic. Affected: yes.
Comment: A PIK3CA c.316G>C (p.Gly106Arg) variant was identified at an allelic fraction consistent with somatic origin. This variant, to our knowledge, has not been reported in the medical literature in individuals with overgrowth but has been reported in several different types of cancer and in nineteen different samples in the cancer database COSMIC (Rudd ML et al., PMID: 21266528; Ohshima K et al., PMID: 31553483; Genomic mutation ID: COSV55878215). Another variant in the same codon, p.Gly106Val, has been reported in multiple individuals with PIK3CA-Related Overgrowth Spectrum (PROS) disorders (Goss JA et al., PMID: 31909475; Kuentz P et al., PMID: 28151489; McNulty SN et al., PMID: 31585106; Mirzaa G et al., PMID: 27631024) and is considered pathogenic. The PIK3CA c.316G>C (p.Gly106Arg) is absent from the general population (gnomAD v4.1.0), indicating it is not a common variant. It resides within a region, the adaptor binding domain, of PIK3CA that is defined as a critical functional domain (Lai A et al., PMID: 35997716). Computational predictors indicate that the variant is damaging, evidence that correlates with impact to PIK3CA function. In support of this prediction, functional studies show that the p. Gly106Arg variant results in increased Akt phosphorylation in cell culture and in one of two cell lines, leads to increased cell proliferation and cell viability compared to wild-type Pik3ca in culture (Rudd ML et al., PMID: 21266528; Ng PK et al., PMID: 29533785). The PIK3CA gene is defined by the ClinGen Brain Malformations Variant Curation Expert Panel as a gene that has a low rate of benign missense variation and where pathogenic missense variants are a common mechanism of disease (Lai A et al., PMID: 35997716). Based on an internally developed protocol informed by the ACMG/AMP guidelines for variant interpretation (Leon-Quintero FZ et al., PMID: 39434542) and gene-specific practices from the ClinGen Criteria Specification Registry (Lai A et al., PMID: 35997716), the PIK3CA c.316G>C (p.Gly106Arg) variant is classified as likely pathogenic.

NM_006218.4(PIK3CA):c.316G>C (p.Gly106Arg)

Gene: PIK3CA (phosphatidylinositol-4,5-bisphosphate 3-kinase catalytic subunit alpha; plus strand). Cytogenetic location: 3q26.32.
Variant type: single nucleotide variant.
Coding change: c.316G>C on transcript NM_006218.4 (MANE Select); coding-DNA position 316, G replaced by C.
Protein change: p.Gly106Arg; replaces glycine 106 with arginine.
Molecular consequence: missense variant.
Genome position (GRCh38, 1-based): chr3:179,199,141, G>C. VCF-style: chr3-179199141-G-C. GRCh37 (hg19) VCF-style: chr3-178916929-G-C.
Other names: short protein forms G106R.
Identifiers: ClinVar variation 4974576 (VCV004974576.1), dbSNP rs1057519931.